The following is an entry in ClinVar:

ClinVar aggregate classification (germline): Benign/Likely benign. Review status: criteria provided, multiple submitters, no conflicts (2 of 4 stars). 5 submissions from 5 submitters: Benign (2); Likely benign (3). Last evaluated 2025-09-11.

Conditions:
Floating-Harbor syndrome (FLHS). Also called: SRCAP-Related Floating-Harbor Syndrome; Short stature with delayed bone age, expressive language delay, a triangular face with a prominent nose and deep-set eyes; Pelletier-Leisti syndrome. Identifiers: Orphanet 2044, MedGen C0729582, MONDO:0007621, OMIM 136140.
Developmental delay, hypotonia, musculoskeletal defects, and behavioral abnormalities. Identifiers: MedGen C5562012, MONDO:0859202, OMIM 619595.

Allele frequency attached by ClinVar (database versions not stated): ESP Exome Variant Server 0.00023; gnomAD 0.00059 and 0.00072; TOPMed 0.00059; 1000 Genomes Project 30x 0.00062; 1000 Genomes Project 0.00080; ExAC 0.00116.
gnomAD v4.1: 1,184 of 1,613,936 alleles (0.073%); highest among the groups gnomAD compares: Middle Eastern, 0.84%; 6 homozygotes.

Submissions (5):

Labcorp Genetics (formerly Invitae), Labcorp
Classification: Benign. Last evaluated: 2025-09-11. Review status: criteria provided, single submitter. Criteria: Invitae Variant Classification Sherloc (09022015). Collection method: clinical testing. Allele origin: germline.

CeGaT Center for Human Genetics Tuebingen
Classification: Likely benign. Last evaluated: 2025-04-01. Review status: criteria provided, single submitter. Criteria: CeGaT Center For Human Genetics Tuebingen Variant Classification Criteria Version 2. Collection method: clinical testing. Allele origin: germline. Affected: yes. Observed: 2 variant alleles.
Comment: SRCAP: BP4, BS1

Blueprint Genetics
Classification: Likely benign. Last evaluated: 2024-11-04. Review status: criteria provided, single submitter. Criteria: ACMG Guidelines, 2015. Collection method: clinical testing. Allele origin: germline.

Fulgent Genetics
Classification: Likely benign for Floating-Harbor syndrome; Developmental delay, hypotonia, musculoskeletal defects, and behavioral abnormalities. Last evaluated: 2021-12-11. Review status: criteria provided, single submitter. Criteria: ACMG Guidelines, 2015. Collection method: clinical testing. Allele origin: unknown.

Breakthrough Genomics
Classification: Benign. Review status: criteria provided, single submitter. Criteria: ACMG Guidelines, 2015. Collection method: not provided. Allele origin: germline. Inheritance: Autosomal dominant inheritance. Affected: yes.

NM_006662.3(SRCAP):c.9229C>A (p.Arg3077=)

Gene: SRCAP (Snf2 related CREBBP activator protein; plus strand). Cytogenetic location: 16p11.2.
Variant type: single nucleotide variant.
Coding change: c.9229C>A on transcript NM_006662.3 (MANE Select); coding-DNA position 9229, C replaced by A.
Protein change: p.Arg3077=; no amino-acid change (arginine 3077 retained).
Molecular consequence: synonymous variant.
Genome position (GRCh38, 1-based): chr16:30,739,269, C>A. VCF-style: chr16-30739269-C-A. GRCh37 (hg19) VCF-style: chr16-30750590-C-A.
Identifiers: ClinVar variation 318918 (VCV000318918.36), dbSNP rs143133981, ClinGen allele CA8012868.
Genomic context (GRCh38, chr16:30,739,269, plus strand): 5'-GAGGATGGAAGCCGCCCCCTCACCCGCCTGGCCCGCCTTCGGCTTGAAGCAGAAGGAATG[C>A]GAGGACGGAAGAGTGGAGGGTCCATGGTGGTGGCTGTAATTCAGGATGACCTGGACTTAG-3'
Protein context (NP_006653.2, residues 3067-3087): ARLRLEAEGM[Arg3077=]GRKSGGSMVV